The following is an entry in ClinVar:

NM_002528.7(NTHL1):c.396C>A (p.Ser132Arg)

Gene: NTHL1 (nth like DNA glycosylase 1; minus strand). Cytogenetic location: 16p13.3.
Variant type: single nucleotide variant.
Coding change: c.396C>A on transcript NM_002528.7 (MANE Select); coding-DNA position 396, C replaced by A.
Protein change: p.Ser132Arg; replaces serine 132 with arginine.
Molecular consequence: missense variant. On other transcripts: intron variant (1).
Genome position (GRCh38, 1-based): chr16:2,044,759, G>T on the plus strand (C>A on the coding strand, the complement: NTHL1 is on the minus strand). VCF-style: chr16-2044759-G-T. GRCh37 (hg19) VCF-style: chr16-2094760-G-T.
Other names: c.66C>A, p.Ser22Arg (NM_001318194.2); c.355-1033C>A (NM_001318193.2); short protein forms S132R, S22R.
Identifiers: ClinVar variation 1738714 (VCV001738714.2), dbSNP rs1424374494, ClinGen allele CA394294584.

ClinVar aggregate classification (germline): Uncertain significance (1 of 4 stars; one submission).

Conditions:
Hereditary cancer-predisposing syndrome. Also called: Hereditary Cancer Syndrome; Hereditary neoplastic syndrome; Neoplastic Syndromes, Hereditary; Tumor predisposition. Identifiers: Orphanet 140162, MedGen C0027672, MeSH D009386, MONDO:0015356.

Allele frequency attached by ClinVar (database versions not stated): gnomAD exomes below 0.00001.
gnomAD v4.1: 1 of 1,611,948 alleles (0.000062%); highest among the groups gnomAD compares: South Asian, 0.0011%; no homozygotes.

Submission:

Ambry Genetics
Classification: Uncertain significance for Hereditary cancer-predisposing syndrome. Last evaluated: 2022-07-15. Review status: criteria provided, single submitter. Criteria: Ambry Variant Classification Scheme 2023. Collection method: clinical testing. Allele origin: germline.
Comment: The p.S140R variant (also known as c.420C>A), located in coding exon 3 of the NTHL1 gene, results from a C to A substitution at nucleotide position 420. The serine at codon 140 is replaced by arginine, an amino acid with dissimilar properties. This amino acid position is conserved. In addition, this alteration is predicted to be deleterious by in silico analysis. Since supporting evidence is limited at this time, the clinical significance of this alteration remains unclear.